The following is an entry in ClinVar:

ClinVar aggregate classification (germline): Likely pathogenic. Review status: criteria provided, multiple submitters, no conflicts (2 of 4 stars). 3 submissions from 3 submitters: Likely pathogenic (2). 1 of the submissions does not count toward it. Last evaluated 2023-03-10.

Conditions:
Alkaptonuria (AKU). Also called: Alkaptonuric ochronosis; Alcaptonuria; HOMOGENTISIC ACID OXIDASE DEFICIENCY; Homogentisic acidura. Identifiers: Orphanet 56, MedGen C0002066, MONDO:0008753, OMIM 203500.

Submissions (3):

Labcorp Genetics (formerly Invitae), Labcorp
Classification: Likely pathogenic for Alkaptonuria. Last evaluated: 2023-03-10. Review status: criteria provided, single submitter. Criteria: Invitae Variant Classification Sherloc (09022015). Collection method: clinical testing. Allele origin: germline.
Comment: This sequence change replaces glycine, which is neutral and non-polar, with arginine, which is basic and polar, at codon 372 of the HGD protein (p.Gly372Arg). This variant is not present in population databases (gnomAD no frequency). This missense change has been observed in individual(s) with alkaptonuria (PMID: 33621656; Invitae). It has also been observed to segregate with disease in related individuals. ClinVar contains an entry for this variant (Variation ID: 861290). Advanced modeling of protein sequence and biophysical properties (such as structural, functional, and spatial information, amino acid conservation, physicochemical variation, residue mobility, and thermodynamic stability) performed at Invitae indicates that this missense variant is expected to disrupt HGD protein function. In summary, the currently available evidence indicates that the variant is pathogenic, but additional data are needed to prove that conclusively. Therefore, this variant has been classified as Likely Pathogenic.

Laboratory of Inherited Metabolic Diseases, Research centre for medical genetics
Classification: Likely pathogenic for Alkaptonuria. Last evaluated: 2020-03-03. Review status: criteria provided, single submitter. Criteria: ACMG Guidelines, 2015. Collection method: clinical testing. Allele origin: germline. Inheritance: Autosomal recessive inheritance. Affected: yes. Observed: 1 variant allele.
Comment: Severe damage of the musculoskeletal system

Department Of Human Genetics, Institute Of Clinical And Translational Research, Biomedical Research Center, Slovak Academy Of Sciences
Classification: Pathogenic for Alkaptonuria. Review status: no assertion criteria provided. Collection method: research. Allele origin: germline. Inheritance: Autosomal recessive inheritance. Affected: yes. Observed: 1 variant allele. Not counted in ClinVar's aggregate classification.
Comment: The variant was originally described in AKU patient in PMID:34504318 and PMID:33621656. It has been submitted to the HGD gene mutation database (DB-ID: AKU_00234).

Literature cited by the submitters: PubMed 33621656 (cited by Labcorp Genetics (formerly Invitae), Labcorp and Department Of Human Genetics, Institute Of Clinical And Translational Research, Biomedical Research Center, Slovak Academy Of Sciences); PubMed 34504318 (cited by Department Of Human Genetics, Institute Of Clinical And Translational Research, Biomedical Research Center, Slovak Academy Of Sciences).

NM_000187.4(HGD):c.1114G>A (p.Gly372Arg)

Gene: HGD (homogentisate 1,2-dioxygenase; minus strand). Cytogenetic location: 3q13.33.
Variant type: single nucleotide variant.
Coding change: c.1114G>A on transcript NM_000187.4 (MANE Select); coding-DNA position 1114, G replaced by A.
Protein change: p.Gly372Arg; replaces glycine 372 with arginine.
Molecular consequence: missense variant.
Genome position (GRCh38, 1-based): chr3:120,633,221, C>T on the plus strand (G>A on the coding strand, the complement: HGD is on the minus strand). VCF-style: chr3-120633221-C-T. GRCh37 (hg19) VCF-style: chr3-120352068-C-T.
Other names: short protein forms G372R.
Identifiers: ClinVar variation 861290 (VCV000861290.12), dbSNP rs1940645842, ClinGen allele CA354072811.